The following is an entry in ClinVar:

ClinVar aggregate classification (germline): Pathogenic (1 of 4 stars; one submission).

Submission:

Labcorp Genetics (formerly Invitae), Labcorp
Classification: Pathogenic. Last evaluated: 2023-11-05. Review status: criteria provided, single submitter. Criteria: Invitae Variant Classification Sherloc (09022015). Collection method: clinical testing. Allele origin: unknown.
Comment: This variant is a gross deletion of the genomic region encompassing exon(s) 1-5 of the SLC38A8 gene, which includes the initiator codon. This deletion extends beyond the assayed region for this gene and therefore may encompass additional genes. It is expected to result in an absent or disrupted protein product. Loss-of-function variants in SLC38A8 are known to be pathogenic (PMID: 24290379). This variant has not been reported in the literature in individuals affected with SLC38A8-related conditions. For these reasons, this variant has been classified as Pathogenic.

Literature cited by the submitters: PubMed 24290379.

NC_000016.9:g.(?_84063079)_(84075762_?)del

Gene: SLC38A8 (solute carrier family 38 member 8; minus strand). Cytogenetic location: 16q23.3.
Variant type: Deletion.
Identifiers: ClinVar variation 3243595 (VCV003243595.1).